The following is an entry in ClinVar:

ClinVar aggregate classification (germline): Pathogenic (1 of 4 stars; one submission).

Conditions:
Coffin-Siris syndrome 12. Identifiers: MedGen C5444111, MONDO:0025699, OMIM 619325.

Submission:

Institute of Human Genetics, University of Leipzig Medical Center
Classification: Pathogenic for Coffin-Siris syndrome 12. Last evaluated: 2024-10-09. Review status: criteria provided, single submitter. Criteria: ACMG Guidelines, 2015. Collection method: clinical testing. Allele origin: de novo. Inheritance: Autosomal dominant inheritance. Affected: yes.
Comment: Criteria applied: PVS1,PM2, PS2

NM_001394372.1(BICRA):c.1163del (p.Pro388fs)

Gene: BICRA (BRD4 interacting chromatin remodeling complex associated protein; plus strand). Cytogenetic location: 19q13.33.
Variant type: Deletion.
Coding change: c.1163del on transcript NM_001394372.1 (MANE Select); coding-DNA position 1163, one base deleted (C; older notation c.1163delC).
Protein change: p.Pro388fs; shifts the reading frame from proline 388.
Molecular consequence: frameshift variant.
Genome position (GRCh38, 1-based): chr19:47,680,333, C deleted; the last of 3 consecutive C bases (chr19:47,680,331-47,680,333); deleting any one gives the same sequence. VCF-style (leftmost placement, unchanged base first): chr19-47680330-TC-T. GRCh37 (hg19) VCF-style: chr19-48183587-TC-T.
Other names: c.1163del, p.Pro388fs (NM_015711.3); short protein forms P388fs.
Identifiers: ClinVar variation 3376134 (VCV003376134.4).